The following is an entry in ClinVar:

NM_004706.4(ARHGEF1):c.2687C>T (p.Pro896Leu)

Gene: ARHGEF1 (Rho guanine nucleotide exchange factor 1; plus strand). Cytogenetic location: 19q13.2.
Variant type: single nucleotide variant.
Coding change: c.2687C>T on transcript NM_004706.4 (MANE Select); coding-DNA position 2687, C replaced by T.
Protein change: p.Pro896Leu; replaces proline 896 with leucine.
Molecular consequence: missense variant. On other transcripts: synonymous variant (4), non-coding transcript variant (2).
Genome position (GRCh38, 1-based): chr19:41,906,734, C>T. VCF-style: chr19-41906734-C-T. GRCh37 (hg19) VCF-style: chr19-42410886-C-T.
Other names: c.2855C>T, p.Pro952Leu (NM_001396000.1); c.2424C>T, p.Thr808= (NM_001396002.1, NM_001396004.1); c.2523C>T, p.Thr841= (NM_001396003.1, NM_001396006.1); c.2588C>T, p.Pro863Leu (NM_198977.2); c.2732C>T, p.Pro911Leu (NM_199002.2); short protein forms P911L, P863L, P896L, P952L.
Identifiers: ClinVar variation 2060456 (VCV002060456.4), dbSNP rs1555850320, ClinGen allele CA406070301.

ClinVar aggregate classification (germline): Uncertain significance (1 of 4 stars; one submission).

Allele frequency attached by ClinVar (database versions not stated): TOPMed below 0.00001; gnomAD 0.00001.
gnomAD v4.1: 3 of 1,611,240 alleles (0.00019%); highest among the groups gnomAD compares: Middle Eastern, 0.016%; no homozygotes.

Submission:

Labcorp Genetics (formerly Invitae), Labcorp
Classification: Uncertain significance. Last evaluated: 2022-06-14. Review status: criteria provided, single submitter. Criteria: Invitae Variant Classification Sherloc (09022015). Collection method: clinical testing. Allele origin: germline.
Comment: This variant is present in population databases (no rsID available, gnomAD 0.03%). In summary, the available evidence is currently insufficient to determine the role of this variant in disease. Therefore, it has been classified as a Variant of Uncertain Significance. Algorithms developed to predict the effect of missense changes on protein structure and function output the following: SIFT: "Tolerated"; PolyPhen-2: "Benign"; Align-GVGD: "Class C0". The leucine amino acid residue is found in multiple mammalian species, which suggests that this missense change does not adversely affect protein function. This variant has not been reported in the literature in individuals affected with ARHGEF1-related conditions. This sequence change replaces proline, which is neutral and non-polar, with leucine, which is neutral and non-polar, at codon 911 of the ARHGEF1 protein (p.Pro911Leu).